The following is an entry in ClinVar:

ClinVar aggregate classification (germline): Likely pathogenic. Review status: criteria provided, multiple submitters, no conflicts (2 of 4 stars). 2 submissions from 2 submitters: Likely pathogenic (2). Last evaluated 2025-07-09.

Conditions:
Dilated cardiomyopathy 1G (CMD1G). Identifiers: Orphanet 154, MedGen C1858763, MONDO:0011400, OMIM 604145.
Autosomal recessive limb-girdle muscular dystrophy type 2J (LGMDR10). Also called: Limb-girdle muscular dystrophy, type 2J; MUSCULAR DYSTROPHY, LIMB-GIRDLE, AUTOSOMAL RECESSIVE 10. Identifiers: Orphanet 140922, MedGen C1837342, MONDO:0012127, OMIM 608807.
TTN-related disorder. Also called: TTN-related condition; TTN-related disease; TTN-related disorders.

Submissions (2):

Labcorp Genetics (formerly Invitae), Labcorp
Classification: Likely pathogenic for Dilated cardiomyopathy 1G; Autosomal recessive limb-girdle muscular dystrophy type 2J. Last evaluated: 2025-07-09. Review status: criteria provided, single submitter. Criteria: Invitae Variant Classification Sherloc (09022015). Collection method: clinical testing. Allele origin: germline.
Comment: This sequence change creates a premature translational stop signal (p.Thr33598Valfs*33) in the TTN gene. While this is not anticipated to result in nonsense mediated decay, it is expected to create a truncated TTN protein. This variant is not present in population databases (gnomAD no frequency). This variant has not been reported in the literature in individuals affected with TTN-related conditions. ClinVar contains an entry for this variant (Variation ID: 845127). This variant is located in the M band of TTN (PMID: 25589632). Truncating variants in this region have been previously reported in individuals affected with autosomal dominant or autosomal recessive myopathy and muscular dystrophy (PMID: 18948003, 23975875, 24395473). Truncating variants in this region have also been identified in individuals affected with autosomal dominant dilated cardiomyopathy and/or cardio-related conditions (PMID: 27869827, 32964742, internal data). In summary, the currently available evidence indicates that the variant is pathogenic, but additional data are needed to prove that conclusively. Therefore, this variant has been classified as Likely Pathogenic.

PreventionGenetics, part of Exact Sciences
Classification: Likely pathogenic for TTN-related condition. Last evaluated: 2022-12-29. Review status: criteria provided, single submitter. Criteria: ACMG Guidelines, 2015. Collection method: clinical testing. Allele origin: germline.
Comment: The TTN c.100791_100792insGTGTACCTAAA variant is predicted to result in a frameshift and premature protein termination (p.Thr33598Valfs*33). To our knowledge, this variant has not been reported in the literature or in a large population database, indicating this variant is rare. This variant occurs in exon 358 which is located in the M-band region of the TTN protein. Exons 358-363 (Mex1-Mex6) have historically been found to harbor a significant number of pathogenic variants for TTN-related autosomal dominant and recessive muscle disorders (Hackman et al. 2002. PMID: 12145747; Evilä et al. 2014. PMID: 24395473). Other protein truncating variants in this exon (eg. c.101021_101022del, c.101098_101099insT, c.101996G>A) have been reported in individuals with dilated cardiomyopathy (Roberts et al. 2015. PMID: 25589632). RNAseq studies from heart tissue indicate this exon is commonly included in TTN mRNA transcripts (PSI of 100%, Roberts et al. 2015. PMID: 25589632). TTN truncating variants are reported in 1-2% of presumably healthy individuals, but occur more frequently in exons with low PSI values (Roberts et al. 2015. PMID: 25589632; Herman et al. 2012. PMID: 22335739). Many cases of recessive congenital TTN-related myopathies in which the individual is compound heterozygous for two loss of function variants in TTN have also been reported (See Ceyhan-Birsoy et al. 2013. PMID: 23975875; Chauveau et al. 2014. PMID: 24105469; Evilä et al. 2016. PMID: 27796757; Ge et al. 2019. PubMed ID: 31053406). In summary, this variant is likely pathogenic for TTN-related disorders.

Literature cited by the submitters: PubMed 25589632 (cited by Labcorp Genetics (formerly Invitae), Labcorp); PubMed 18948003 (cited by Labcorp Genetics (formerly Invitae), Labcorp); PubMed 23975875 (cited by Labcorp Genetics (formerly Invitae), Labcorp); PubMed 24395473 (cited by Labcorp Genetics (formerly Invitae), Labcorp); PubMed 27869827 (cited by Labcorp Genetics (formerly Invitae), Labcorp); PubMed 32964742 (cited by Labcorp Genetics (formerly Invitae), Labcorp).

NM_001267550.2(TTN):c.100791_100792insGTGTACCTAAA (p.Thr33598fs)

Genes: TTN (titin; minus strand), TTN-AS1 (TTN antisense RNA 1; plus strand). Cytogenetic location: 2q31.2.
Variant type: Insertion.
Coding change: c.100791_100792insGTGTACCTAAA on transcript NM_001267550.2 (MANE Select); coding-DNA positions 100791 to 100792, GTGTACCTAAA inserted.
Protein change: p.Thr33598fs; shifts the reading frame from threonine 33598.
Molecular consequence: frameshift variant.
Genome position: GRCh38 VCF-style: chr2-178535823-T-TTTTAGGTACAC. GRCh37 (hg19) VCF-style: chr2-179400550-T-TTTTAGGTACAC.
Other names: c.95868_95869insGTGTACCTAAA, p.Thr31957fs (NM_001256850.1); c.73596_73597insGTGTACCTAAA, p.Thr24533fs (NM_003319.4); c.93087_93088insGTGTACCTAAA, p.Thr31030fs (NM_133378.4); c.73971_73972insGTGTACCTAAA, p.Thr24658fs (NM_133432.3); c.74172_74173insGTGTACCTAAA, p.Thr24725fs (NM_133437.4); short protein forms T24658fs, T24533fs, T24725fs, T31030fs, T33598fs, T31957fs.
Identifiers: ClinVar variation 845127 (VCV000845127.11), dbSNP rs1691180795, ClinGen allele CA916081323.